The following is an entry in ClinVar:

NM_001312673.2(PCYT1A):c.478G>C (p.Glu160Gln)

Genes: PCYT1A (phosphate cytidylyltransferase 1A, choline; minus strand), LOC126806932 (BRD4-independent group 4 enhancer GRCh37_chr3:195973646-195974845; plus strand). Cytogenetic location: 3q29.
Variant type: single nucleotide variant.
Coding change: c.478G>C on transcript NM_001312673.2 (MANE Select); coding-DNA position 478, G replaced by C.
Protein change: p.Glu160Gln; replaces glutamic acid 160 with glutamine.
Molecular consequence: missense variant.
Genome position (GRCh38, 1-based): chr3:196,247,375, C>G on the plus strand (G>C on the coding strand, the complement: PCYT1A is on the minus strand). VCF-style: chr3-196247375-C-G. GRCh37 (hg19) VCF-style: chr3-195974246-C-G.
Other names: c.478G>C, p.Glu160Gln (NM_005017.4); short protein forms E160Q.
Identifiers: ClinVar variation 1377005 (VCV001377005.8), dbSNP rs140290837, ClinGen allele CA355612485.

ClinVar aggregate classification (germline): Uncertain significance (1 of 4 stars; one submission).

Submission:

Labcorp Genetics (formerly Invitae), Labcorp
Classification: Uncertain significance. Last evaluated: 2022-03-09. Review status: criteria provided, single submitter. Criteria: Invitae Variant Classification Sherloc (09022015). Collection method: clinical testing. Allele origin: germline.
Comment: In summary, the available evidence is currently insufficient to determine the role of this variant in disease. Therefore, it has been classified as a Variant of Uncertain Significance. Advanced modeling of protein sequence and biophysical properties (such as structural, functional, and spatial information, amino acid conservation, physicochemical variation, residue mobility, and thermodynamic stability) performed at Invitae indicates that this missense variant is not expected to disrupt PCYT1A protein function. This sequence change replaces glutamic acid, which is acidic and polar, with glutamine, which is neutral and polar, at codon 160 of the PCYT1A protein (p.Glu160Gln). This variant is not present in population databases (gnomAD no frequency). This variant has not been reported in the literature in individuals affected with PCYT1A-related conditions.